The following is an entry in ClinVar:

ClinVar aggregate classification (germline): Uncertain significance. Review status: criteria provided, multiple submitters, no conflicts (2 of 4 stars). 3 submissions from 3 submitters: Uncertain significance (3). Last evaluated 2023-11-21.

Conditions:
Inborn genetic diseases. Identifiers: MedGen C0950123, MeSH D030342.

Allele frequency attached by ClinVar (database versions not stated): gnomAD exomes 0.00001; gnomAD 0.00005 and 0.00006; TOPMed 0.00009.
gnomAD v4.1: 16 of 1,614,046 alleles (0.00099%); highest among the groups gnomAD compares: Admixed American, 0.013%; no homozygotes.

Submissions (3):

Ambry Genetics
Classification: Uncertain significance for Inborn genetic diseases. Last evaluated: 2023-11-21. Review status: criteria provided, single submitter. Criteria: Ambry Variant Classification Scheme 2023. Collection method: clinical testing. Allele origin: germline.

Labcorp Genetics (formerly Invitae), Labcorp
Classification: Uncertain significance. Last evaluated: 2022-07-13. Review status: criteria provided, single submitter. Criteria: Invitae Variant Classification Sherloc (09022015). Collection method: clinical testing. Allele origin: germline.
Comment: This sequence change replaces threonine, which is neutral and polar, with serine, which is neutral and polar, at codon 915 of the HSPG2 protein (p.Thr915Ser). This variant is present in population databases (no rsID available, gnomAD no frequency). This variant has not been reported in the literature in individuals affected with HSPG2-related conditions. ClinVar contains an entry for this variant (Variation ID: 1008694). Algorithms developed to predict the effect of missense changes on protein structure and function output the following: SIFT: "Tolerated"; PolyPhen-2: "Benign"; Align-GVGD: "Class C0". The serine amino acid residue is found in multiple mammalian species, which suggests that this missense change does not adversely affect protein function. In summary, the available evidence is currently insufficient to determine the role of this variant in disease. Therefore, it has been classified as a Variant of Uncertain Significance.

Revvity Omics, Revvity
Classification: Uncertain significance. Last evaluated: 2019-10-29. Review status: criteria provided, single submitter. Criteria: ACMG Guidelines, 2015. Collection method: clinical testing. Allele origin: germline.

NM_005529.7(HSPG2):c.2743A>T (p.Thr915Ser)

Gene: HSPG2 (heparan sulfate proteoglycan 2; minus strand). Cytogenetic location: 1p36.12.
Variant type: single nucleotide variant.
Coding change: c.2743A>T on transcript NM_005529.7 (MANE Select); coding-DNA position 2743, A replaced by T.
Protein change: p.Thr915Ser; replaces threonine 915 with serine.
Molecular consequence: missense variant.
Genome position (GRCh38, 1-based): chr1:21,876,595, T>A on the plus strand (A>T on the coding strand, the complement: HSPG2 is on the minus strand). VCF-style: chr1-21876595-T-A. GRCh37 (hg19) VCF-style: chr1-22203088-T-A.
Other names: c.2746A>T, p.Thr916Ser (NM_001291860.2); c.2743A>T (NM_005529.5); short protein forms T915S, T916S.
Identifiers: ClinVar variation 1008694 (VCV001008694.11), dbSNP rs981624730, ClinGen allele CA19147735.